The following is an entry in ClinVar:

ClinVar aggregate classification (germline): Uncertain significance (1 of 4 stars; one submission).

Conditions:
Inborn genetic diseases. Identifiers: MedGen C0950123, MeSH D030342.

Submission:

Ambry Genetics
Classification: Uncertain significance for Inborn genetic diseases. Last evaluated: 2025-05-31. Review status: criteria provided, single submitter. Criteria: Ambry Variant Classification Scheme 2023. Collection method: clinical testing. Allele origin: germline.
Comment: The p.V529M variant (also known as c.1585G>A), located in coding exon 7 of the SH2B3 gene, results from a G to A substitution at nucleotide position 1585. The valine at codon 529 is replaced by methionine, an amino acid with highly similar properties. This amino acid position is conserved. In addition, this alteration is predicted to be tolerated by in silico analysis. Based on the available evidence, the clinical significance of this variant remains unclear.

NM_005475.3(SH2B3):c.1585G>A (p.Val529Met)

Gene: SH2B3 (SH2B adaptor protein 3; plus strand). Cytogenetic location: 12q24.12.
Variant type: single nucleotide variant.
Coding change: c.1585G>A on transcript NM_005475.3 (MANE Select); coding-DNA position 1585, G replaced by A.
Protein change: p.Val529Met; replaces valine 529 with methionine.
Molecular consequence: missense variant.
Genome position (GRCh38, 1-based): chr12:111,448,159, G>A. VCF-style: chr12-111448159-G-A. GRCh37 (hg19) VCF-style: chr12-111885963-G-A.
Other names: c.979G>A, p.Val327Met (NM_001291424.1); short protein forms V327M, V529M.
Identifiers: ClinVar variation 3953544 (VCV003953544.1).